The following is an entry in ClinVar:

ClinVar aggregate classification (germline): Pathogenic (1 of 4 stars; one submission).

Conditions:
Hereditary cancer-predisposing syndrome. Also called: Neoplastic Syndromes, Hereditary; Tumor predisposition; Hereditary Cancer Syndrome; Hereditary neoplastic syndrome. Identifiers: Orphanet 140162, MedGen C0027672, MeSH D009386, MONDO:0015356.

Submission:

Ambry Genetics
Classification: Pathogenic for Hereditary cancer-predisposing syndrome. Last evaluated: 2026-04-22. Review status: criteria provided, single submitter. Criteria: Ambry Variant Classification Scheme 2023. Collection method: clinical testing. Allele origin: germline.
Comment: The c.1313delA variant, located in coding exon 9 of the BRCA2 gene, results from a deletion of one nucleotide at nucleotide position 1313, causing a translational frameshift with a predicted alternate stop codon (p.D438Vfs*22). This variant is considered to be rare based on population cohorts in the Genome Aggregation Database (gnomAD). This alteration is expected to result in loss of function by premature protein truncation or nonsense-mediated mRNA decay. As such, this alteration is interpreted as a disease-causing mutation.

NM_000059.4(BRCA2):c.1313del (p.Asp438fs)

Gene: BRCA2 (BRCA2 DNA repair associated; plus strand). Cytogenetic location: 13q13.1.
Variant type: Deletion.
Coding change: c.1313del on transcript NM_000059.4 (MANE Select); coding-DNA position 1313, one base deleted (A; older notation c.1313delA).
Protein change: p.Asp438fs; shifts the reading frame from aspartic acid 438.
Molecular consequence: frameshift variant. On other transcripts: non-coding transcript variant (1), intron variant (1).
Genome position (GRCh38, 1-based): chr13:32,332,791, A deleted. VCF-style (leftmost placement, unchanged base first): chr13-32332790-GA-G. GRCh37 (hg19) VCF-style: chr13-32906927-GA-G.
Other names: c.1313del, p.Asp438fs (NM_001406719.1, NM_001406720.1, NM_001406721.1 and 1 more transcripts); c.424+1761del (NM_001406722.1); short protein forms D438fs.
Identifiers: ClinVar variation 4867825 (VCV004867825.1).